The following is an entry in ClinVar:

NM_015215.4(CAMTA1):c.511-5C>T

Gene: CAMTA1 (calmodulin binding transcription activator 1; plus strand). Cytogenetic location: 1p36.23.
Variant type: single nucleotide variant.
Coding change: c.511-5C>T on transcript NM_015215.4 (MANE Select); 5 bases into the intron before coding-DNA position 511, C replaced by T.
Molecular consequence: intron variant.
Genome position (GRCh38, 1-based): chr1:7,640,395, C>T. VCF-style: chr1-7640395-C-T. GRCh37 (hg19) VCF-style: chr1-7700455-C-T.
Other names: p.?; c.511-5C>T (NM_001349609.2, NM_001349610.2); c.421-5C>T (NM_001349608.2, NM_001349612.2).
Identifiers: ClinVar variation 728921 (VCV000728921.33), dbSNP rs185976689, ClinGen allele CA566189.

ClinVar aggregate classification (germline): Benign/Likely benign. Review status: criteria provided, multiple submitters, no conflicts (2 of 4 stars). 3 submissions from 3 submitters: Benign (2); Likely benign (1). Last evaluated 2026-01-20.

Allele frequency attached by ClinVar (database versions not stated): gnomAD exomes 0.00007 and 0.00025; ExAC 0.00027; gnomAD 0.00086 and 0.00087; ESP Exome Variant Server 0.00092; TOPMed 0.00116; 1000 Genomes Project 30x 0.00187; 1000 Genomes Project 0.00220.
gnomAD v4.1: 238 of 1,613,840 alleles (0.015%); highest among the groups gnomAD compares: African/African-American, 0.29%; no homozygotes.

Submissions (3):

Labcorp Genetics (formerly Invitae), Labcorp
Classification: Benign. Last evaluated: 2026-01-20. Review status: criteria provided, single submitter. Criteria: Invitae Variant Classification Sherloc (09022015). Collection method: clinical testing. Allele origin: germline.

Mayo Clinic Laboratories, Mayo Clinic
Classification: Benign. Last evaluated: 2025-03-18. Review status: criteria provided, single submitter. Criteria: ACMG Guidelines, 2015. Collection method: clinical testing. Allele origin: germline. Observed: 1 variant allele.
Comment: BS1, BS2, BP4, BP7

CeGaT Center for Human Genetics Tuebingen
Classification: Likely benign. Last evaluated: 2023-09-01. Review status: criteria provided, single submitter. Criteria: CeGaT Center For Human Genetics Tuebingen Variant Classification Criteria Version 2. Collection method: clinical testing. Allele origin: germline. Affected: yes. Observed: 1 variant allele.
Comment: CAMTA1: BP4, BS1